The following is an entry in ClinVar:

ClinVar aggregate classification (germline): Conflicting classifications of pathogenicity. Review status: criteria provided, conflicting classifications (1 of 4 stars). 2 submissions from 2 submitters: Uncertain significance (1); Likely benign (1). Last evaluated 2025-11-03.

Conditions:
Cardiovascular phenotype. Identifiers: MedGen CN230736.

gnomAD v4.1: 1 of 1,614,150 alleles (0.000062%); highest among the groups gnomAD compares: Non-Finnish European, 0.000085%; no homozygotes.

Submissions (2):

Labcorp Genetics (formerly Invitae), Labcorp
Classification: Uncertain significance. Last evaluated: 2025-11-03. Review status: criteria provided, single submitter. Criteria: Invitae Variant Classification Sherloc (09022015). Collection method: clinical testing. Allele origin: germline.
Comment: This sequence change replaces proline, which is neutral and non-polar, with threonine, which is neutral and polar, at codon 1067 of the ALPK3 protein (p.Pro1067Thr). This variant is not present in population databases (gnomAD no frequency). This variant has not been reported in the literature in individuals affected with ALPK3-related conditions. ClinVar contains an entry for this variant (Variation ID: 1718588). Invitae Evidence Modeling of protein sequence and biophysical properties (such as structural, functional, and spatial information, amino acid conservation, physicochemical variation, residue mobility, and thermodynamic stability) indicates that this missense variant is expected to disrupt ALPK3 protein function with a positive predictive value of 80%. In summary, the available evidence is currently insufficient to determine the role of this variant in disease. Therefore, it has been classified as a Variant of Uncertain Significance.

Ambry Genetics
Classification: Likely benign for Cardiovascular phenotype. Last evaluated: 2024-08-07. Review status: criteria provided, single submitter. Criteria: Ambry Variant Classification Scheme 2023. Collection method: clinical testing. Allele origin: germline.

NM_020778.5(ALPK3):c.2593C>A (p.Pro865Thr)

Gene: ALPK3 (alpha kinase 3; plus strand). Cytogenetic location: 15q25.3.
Variant type: single nucleotide variant.
Coding change: c.2593C>A on transcript NM_020778.5 (MANE Select); coding-DNA position 2593, C replaced by A.
Protein change: p.Pro865Thr; replaces proline 865 with threonine.
Molecular consequence: missense variant.
Genome position (GRCh38, 1-based): chr15:84,857,331, C>A. VCF-style: chr15-84857331-C-A. GRCh37 (hg19) VCF-style: chr15-85400562-C-A.
Other names: c.3199C>A (NM_020778.4); short protein forms P865T.
Identifiers: ClinVar variation 1718588 (VCV001718588.6), dbSNP rs1005850234, ClinGen allele CA393357709.